The following is an entry in ClinVar:

NM_201384.3(PLEC):c.5551G>A (p.Glu1851Lys)

Gene: PLEC (plectin; minus strand). Cytogenetic location: 8q24.3.
Variant type: single nucleotide variant.
Coding change: c.5551G>A on transcript NM_201384.3 (MANE Select); coding-DNA position 5551, G replaced by A.
Protein change: p.Glu1851Lys; replaces glutamic acid 1851 with lysine.
Molecular consequence: missense variant.
Genome position (GRCh38, 1-based): chr8:143,924,378, C>T on the plus strand (G>A on the coding strand, the complement: PLEC is on the minus strand). VCF-style: chr8-143924378-C-T. GRCh37 (hg19) VCF-style: chr8-144998546-C-T.
Other names: c.5632G>A (NM_000445.3); c.5632G>A, p.Glu1878Lys (NM_000445.5); c.5509G>A, p.Glu1837Lys (NM_201378.4); c.5485G>A, p.Glu1829Lys (NM_201379.3); c.5962G>A, p.Glu1988Lys (NM_201380.4); c.5455G>A, p.Glu1819Lys (NM_201381.3); c.5551G>A, p.Glu1851Lys (NM_201382.4); c.5563G>A, p.Glu1855Lys (NM_201383.3); short protein forms E1988K, E1855K, E1878K, E1819K, E1829K, E1837K, E1851K.
Identifiers: ClinVar variation 592777 (VCV000592777.16), dbSNP rs782074123, ClinGen allele CA4926329.
Genomic context (GRCh38, chr8:143,924,378, plus strand): 5'-CCGCCAGCCGCCGCAGGCGCTCGTTCTCCGCCTCCTTCTCCTTGAGCGCGATCTCCGCCT[C>T]CGTCTTGAGCCGCGTGGCCTCGCCGATGGCGGCCAGCTTCTCCGCAAGCACCCGCTCCGC-3'
Protein context (NP_958786.1, residues 1841-1861): AIGEATRLKT[Glu1851Lys]AEIALKEKEA

ClinVar aggregate classification (germline): Uncertain significance. Review status: criteria provided, multiple submitters, no conflicts (2 of 4 stars). 5 submissions from 5 submitters: Uncertain significance (5). Last evaluated 2026-02-17.

Conditions:
PLEC-related disorder. Also called: PLEC-related disorders; PLEC-related condition.
Epidermolysis bullosa simplex 5C, with pyloric atresia (EBS5C). Also called: PLEC-Related Epidermolysis Bullosa with Pyloric Atresia; PLEC1-Related Epidermolysis Bullosa with Pyloric Atresia; Epidermolysis bullosa simplex with pyloric atresia. Identifiers: Orphanet 158684, MedGen C2677349, MONDO:0012807, OMIM 612138.
Epidermolysis bullosa simplex, Ogna type (EBS5A). Also called: Pidermolysis bullosa simplex 5A, Ogna type; EPIDERMOLYSIS BULLOSA SIMPLEX 5A, OGNA TYPE. Identifiers: Orphanet 79401, MedGen C0432317, MONDO:0007555, OMIM 131950.
Epidermolysis bullosa simplex 5B, with muscular dystrophy (EBS5B). Also called: Epidermolysis bullosa simplex with muscular dystrophy; EPIDERMOLYSIS BULLOSA SIMPLEX AND LIMB-GIRDLE MUSCULAR DYSTROPHY. Identifiers: Orphanet 257, MedGen C2931072, MONDO:0009181, OMIM 226670.
Epidermolysis bullosa simplex with nail dystrophy (EBS5D). Identifiers: MedGen C4225309, MONDO:0014661, OMIM 616487.
Autosomal recessive limb-girdle muscular dystrophy type 2Q (LGMDR17). Also called: MUSCULAR DYSTROPHY, LIMB-GIRDLE, AUTOSOMAL RECESSIVE 17. Identifiers: Orphanet 254361, MedGen C3150989, MONDO:0013390, OMIM 613723.
Inborn genetic diseases. Identifiers: MedGen C0950123, MeSH D030342.

Allele frequency attached by ClinVar (database versions not stated): gnomAD 0.00004 and 0.00005; TOPMed 0.00017; ExAC 0.00001; gnomAD exomes 0.00002 and 0.00003.
gnomAD v4.1: 25 of 1,596,132 alleles (0.0016%); highest among the groups gnomAD compares: Admixed American, 0.037%; no homozygotes.

Submissions (5):

Ambry Genetics
Classification: Uncertain significance for Inborn genetic diseases. Last evaluated: 2026-02-17. Review status: criteria provided, single submitter. Criteria: Ambry Variant Classification Scheme 2023. Collection method: clinical testing. Allele origin: germline.

PreventionGenetics, part of Exact Sciences
Classification: Uncertain significance for PLEC-related condition. Last evaluated: 2025-11-23. Review status: criteria provided, single submitter. Criteria: ACMG Guidelines, 2015. Collection method: clinical testing. Allele origin: germline.
Comment: The PLEC c.5632G>A variant is predicted to result in the amino acid substitution p.Glu1878Lys. To our knowledge, this variant has not been reported in the literature. This variant is reported in 0.0059% of alleles in individuals of Latino descent in gnomAD. At this time, the clinical significance of this variant is uncertain due to the absence of conclusive functional and genetic evidence.

Labcorp Genetics (formerly Invitae), Labcorp
Classification: Uncertain significance for Autosomal recessive limb-girdle muscular dystrophy type 2Q; Epidermolysis bullosa simplex, Ogna type; Epidermolysis bullosa simplex with nail dystrophy; Epidermolysis bullosa simplex 5C, with pyloric atresia; Epidermolysis bullosa simplex 5B, with muscular dystrophy. Last evaluated: 2025-08-25. Review status: criteria provided, single submitter. Criteria: Invitae Variant Classification Sherloc (09022015). Collection method: clinical testing. Allele origin: germline.
Comment: This sequence change replaces glutamic acid, which is acidic and polar, with lysine, which is basic and polar, at codon 1878 of the PLEC protein (p.Glu1878Lys). This variant is present in population databases (rs782074123, gnomAD 0.006%). This variant has not been reported in the literature in individuals affected with PLEC-related conditions. ClinVar contains an entry for this variant (Variation ID: 592777). Experimental studies and prediction algorithms are not available or were not evaluated, and the functional significance of this variant is currently unknown. In summary, the available evidence is currently insufficient to determine the role of this variant in disease. Therefore, it has been classified as a Variant of Uncertain Significance.

Revvity Omics, Revvity
Classification: Uncertain significance. Last evaluated: 2019-03-01. Review status: criteria provided, single submitter. Criteria: ACMG Guidelines, 2015. Collection method: clinical testing. Allele origin: germline.

Eurofins Ntd Llc (ga)
Classification: Uncertain significance. Last evaluated: 2018-07-12. Review status: criteria provided, single submitter. Criteria: EGL ClinVar v180209 classification definitions. Collection method: clinical testing. Allele origin: germline. Observed: 4 variant alleles, 3 heterozygotes.